The following is an entry in ClinVar:

ClinVar aggregate classification (germline): Uncertain significance (0 of 4 stars; one submission).

Conditions:
DROSHA-related disorder. Also called: DROSHA-related condition.

Submission:

PreventionGenetics, part of Exact Sciences
Classification: Uncertain significance for DROSHA-related condition. Last evaluated: 2024-06-10. Review status: no assertion criteria provided. Collection method: clinical testing. Allele origin: germline.
Comment: The DROSHA c.56C>G variant is predicted to result in the amino acid substitution p.Pro19Arg. To our knowledge, this variant has not been reported in the literature or in a large population database, indicating this variant is rare. At this time, the clinical significance of this variant is uncertain due to the absence of conclusive functional and genetic evidence.

NM_001382508.1(DROSHA):c.56C>G (p.Pro19Arg)

Gene: DROSHA (drosha ribonuclease III; minus strand). Cytogenetic location: 5p13.3.
Variant type: single nucleotide variant.
Coding change: c.56C>G on transcript NM_001382508.1 (MANE Select); coding-DNA position 56, C replaced by G.
Protein change: p.Pro19Arg; replaces proline 19 with arginine.
Molecular consequence: missense variant.
Genome position (GRCh38, 1-based): chr5:31,526,877, G>C on the plus strand (C>G on the coding strand, the complement: DROSHA is on the minus strand). VCF-style: chr5-31526877-G-C. GRCh37 (hg19) VCF-style: chr5-31526984-G-C.
Other names: c.56C>G, p.Pro19Arg (NM_001100412.2, NM_013235.5); short protein forms P19R.
Identifiers: ClinVar variation 3347556 (VCV003347556.1).